The following is an entry in ClinVar:

NM_015175.3(NBEAL2):c.4928_4929del (p.Asp1643fs)

Gene: NBEAL2 (neurobeachin like 2; plus strand). Cytogenetic location: 3p21.31.
Variant type: Deletion.
Coding change: c.4928_4929del on transcript NM_015175.3 (MANE Select); coding-DNA positions 4928 to 4929, 2 bases deleted (AT; older notation c.4928_4929delAT).
Protein change: p.Asp1643fs; shifts the reading frame from aspartic acid 1643.
Molecular consequence: frameshift variant.
Genome position (GRCh38, 1-based): chr3:47,002,065-47,002,066, AT deleted. VCF-style (leftmost placement, unchanged base first): chr3-47002064-GAT-G. GRCh37 (hg19) VCF-style: chr3-47043554-GAT-G.
Other names: c.4826_4827del, p.Asp1609fs (NM_001365116.2); short protein forms D1609fs, D1643fs.
Identifiers: ClinVar variation 982274 (VCV000982274.1), dbSNP rs2037048154, ClinGen allele CA1139658053.

ClinVar aggregate classification (germline): Pathogenic (1 of 4 stars; one submission).

Conditions:
Gray platelet syndrome (GPS). Also called: BLEEDING DISORDER, PLATELET-TYPE, 4. Identifiers: Orphanet 721, MedGen C0272302, MONDO:0007686, OMIM 139090.

Submission:

NIHR Bioresource Rare Diseases, University of Cambridge
Classification: Pathogenic for Gray platelet syndrome. Last evaluated: 2020-03-01. Review status: criteria provided, single submitter. Criteria: ACMG Guidelines, 2015. Collection method: research. Allele origin: unknown. Inheritance: Autosomal recessive inheritance. Affected: yes. Observed: 1 homozygote.
Comment: ACMG criteria: PVS1, PM2, PM3, PP4

Literature cited by the submitters: PubMed 32693407.